The following is an entry in ClinVar:

NM_001261826.3(AP3D1):c.2494A>G (p.Lys832Glu)

Gene: AP3D1 (adaptor related protein complex 3 subunit delta 1; minus strand). Cytogenetic location: 19p13.3.
Variant type: single nucleotide variant.
Coding change: c.2494A>G on transcript NM_001261826.3 (MANE Select); coding-DNA position 2494, A replaced by G.
Protein change: p.Lys832Glu; replaces lysine 832 with glutamic acid.
Molecular consequence: missense variant.
Genome position (GRCh38, 1-based): chr19:2,114,232, T>C on the plus strand (A>G on the coding strand, the complement: AP3D1 is on the minus strand). VCF-style: chr19-2114232-T-C. GRCh37 (hg19) VCF-style: chr19-2114231-T-C.
Other names: c.2494A>G, p.Lys832Glu (NM_001374799.1, NM_003938.8); short protein forms K832E.
Identifiers: ClinVar variation 2792002 (VCV002792002.3), dbSNP rs2018372900, ClinGen allele CA403208754.

ClinVar aggregate classification (germline): Uncertain significance (1 of 4 stars; one submission).

Allele frequency attached by ClinVar (database versions not stated): gnomAD 0.00001.
gnomAD v4.1: 1 of 1,613,772 alleles (0.000062%); highest among the groups gnomAD compares: Admixed American, 0.0017%; no homozygotes.

Submission:

Labcorp Genetics (formerly Invitae), Labcorp
Classification: Uncertain significance. Last evaluated: 2023-01-15. Review status: criteria provided, single submitter. Criteria: Invitae Variant Classification Sherloc (09022015). Collection method: clinical testing. Allele origin: germline.
Comment: This variant has not been reported in the literature in individuals affected with AP3D1-related conditions. Algorithms developed to predict the effect of missense changes on protein structure and function (SIFT, PolyPhen-2, Align-GVGD) all suggest that this variant is likely to be tolerated. In summary, the available evidence is currently insufficient to determine the role of this variant in disease. Therefore, it has been classified as a Variant of Uncertain Significance. This variant is not present in population databases (gnomAD no frequency). This sequence change replaces lysine, which is basic and polar, with glutamic acid, which is acidic and polar, at codon 832 of the AP3D1 protein (p.Lys832Glu).